The following is an entry in ClinVar:

NM_000153.4(GALC):c.1573G>A (p.Glu525Lys)

Gene: GALC (galactosylceramidase; minus strand). Cytogenetic location: 14q31.3.
Variant type: single nucleotide variant.
Coding change: c.1573G>A on transcript NM_000153.4 (MANE Select); coding-DNA position 1573, G replaced by A.
Protein change: p.Glu525Lys; replaces glutamic acid 525 with lysine.
Molecular consequence: missense variant.
Genome position (GRCh38, 1-based): chr14:87,945,650, C>T on the plus strand (G>A on the coding strand, the complement: GALC is on the minus strand). VCF-style: chr14-87945650-C-T. GRCh37 (hg19) VCF-style: chr14-88411994-C-T.
Other names: c.1504G>A, p.Glu502Lys (NM_001201401.2); c.1495G>A, p.Glu499Lys (NM_001201402.2); short protein forms E525K, E502K, E499K.
Identifiers: ClinVar variation 314747 (VCV000314747.20), dbSNP rs146286491, ClinGen allele CA7296979.

ClinVar aggregate classification (germline): Conflicting classifications of pathogenicity. Review status: criteria provided, conflicting classifications (1 of 4 stars). 5 submissions from 5 submitters: Uncertain significance (2); Likely benign (1). 2 of the submissions do not count toward it. Last evaluated 2026-01-28.

Conditions:
GALC-related disorder. Also called: GALC-related condition.
Galactosylceramide beta-galactosidase deficiency. Also called: GALACTOCEREBROSIDASE DEFICIENCY; GALC DEFICIENCY; GLOBOID CELL LEUKOENCEPHALOPATHY; Krabbe Disease; Leukodystrophy, Globoid Cell. Identifiers: Orphanet 487, MedGen C0023521, MONDO:0009499, OMIM 245200.

Allele frequency attached by ClinVar (database versions not stated): ExAC 0.00018; TOPMed 0.00018; gnomAD 0.00019; gnomAD exomes 0.00022 and 0.00006; 1000 Genomes Project 30x 0.00094; 1000 Genomes Project 0.00120; ESP Exome Variant Server 0.00008.
gnomAD v4.1: 152 of 1,611,306 alleles (0.0094%); highest among the groups gnomAD compares: East Asian, 0.21%; 1 homozygote.

Submissions (5):

Labcorp Genetics (formerly Invitae), Labcorp
Classification: Likely benign for Galactosylceramide beta-galactosidase deficiency. Last evaluated: 2026-01-28. Review status: criteria provided, single submitter. Criteria: Invitae Variant Classification Sherloc (09022015). Collection method: clinical testing. Allele origin: germline.

Blueprint Genetics
Classification: Uncertain significance. Last evaluated: 2024-11-11. Review status: criteria provided, single submitter. Criteria: ACMG Guidelines, 2015. Collection method: clinical testing. Allele origin: germline.

Illumina Laboratory Services, Illumina
Classification: Uncertain significance for Galactosylceramide beta-galactosidase deficiency. Last evaluated: 2018-01-13. Review status: criteria provided, single submitter. Criteria: ICSL Variant Classification Criteria 13 December 2019. Collection method: clinical testing. Allele origin: germline.

PreventionGenetics, part of Exact Sciences
Classification: Likely benign for GALC-related condition. Last evaluated: 2023-04-12. Review status: no assertion criteria provided. Collection method: clinical testing. Allele origin: germline. Not counted in ClinVar's aggregate classification.
Comment: This variant is classified as likely benign based on ACMG/AMP sequence variant interpretation guidelines (Richards et al. 2015 PMID: 25741868, with internal and published modifications).

Natera, Inc.
Classification: Uncertain significance for Galactosylceramide beta-galactosidase deficiency. Last evaluated: 2020-04-18. Review status: no assertion criteria provided. Collection method: clinical testing. Allele origin: germline. Not counted in ClinVar's aggregate classification.